The following is an entry in ClinVar:

ClinVar aggregate classification (germline): Pathogenic (1 of 4 stars; one submission).

Conditions:
Hereditary nonpolyposis colorectal neoplasms. Identifiers: MedGen C0009405, MeSH D003123.

Submission:

Labcorp Genetics (formerly Invitae), Labcorp
Classification: Pathogenic for Hereditary nonpolyposis colorectal neoplasms. Last evaluated: 2020-03-10. Review status: criteria provided, single submitter. Criteria: Invitae Variant Classification Sherloc (09022015). Collection method: clinical testing. Allele origin: germline.
Comment: This variant is an out-of-frame deletion of the genomic region encompassing exon 5 of the MSH6 gene. This is expected to create a premature translational stop signal and result in an absent or disrupted protein product. Similar deletions of exon 5 has not been reported in the literature in individuals with MSH6-related disease. Loss-of-function variants in MSH6 are known to be pathogenic (PMID: 18269114, 24362816). For these reasons, this variant has been classified as Pathogenic.

Literature cited by the submitters: PubMed 18269114; PubMed 24362816.

NC_000002.11:g.(?_48030537)_(48030834_?)del

Gene: MSH6 (mutS homolog 6; plus strand). Cytogenetic location: 2p16.3.
Variant type: Deletion.
Identifiers: ClinVar variation 1074419 (VCV001074419.2).